The following is an entry in ClinVar:

ClinVar aggregate classification (germline): Conflicting classifications of pathogenicity. Review status: criteria provided, conflicting classifications (1 of 4 stars). 4 submissions from 4 submitters: Pathogenic (1); Uncertain significance (3). Last evaluated 2025-12-31.

Conditions:
Inborn genetic diseases. Identifiers: MedGen C0950123, MeSH D030342.
Deficiency of isobutyryl-CoA dehydrogenase. Also called: ACYL-CoA DEHYDROGENASE FAMILY, MEMBER 8, DEFICIENCY OF; ACAD8 DEFICIENCY; IBD DEFICIENCY. Identifiers: Orphanet 79159, MedGen C1969809, MONDO:0012648, OMIM 611283.

Allele frequency attached by ClinVar (database versions not stated): ExAC 0.00002; gnomAD exomes 0.00004 and 0.00014; 1000 Genomes Project 0.00020; gnomAD 0.00030 and 0.00032; TOPMed 0.00039; 1000 Genomes Project 30x 0.00047.
gnomAD v4.1: 113 of 1,613,906 alleles (0.007%); highest among the groups gnomAD compares: Admixed American, 0.18%; 1 homozygote.

Submissions (4):

Labcorp Genetics (formerly Invitae), Labcorp
Classification: Pathogenic for Deficiency of isobutyryl-CoA dehydrogenase. Last evaluated: 2025-12-31. Review status: criteria provided, single submitter. Criteria: Invitae Variant Classification Sherloc (09022015). Collection method: clinical testing. Allele origin: germline.
Comment: This sequence change replaces alanine, which is neutral and non-polar, with serine, which is neutral and polar, at codon 156 of the ACAD8 protein (p.Ala156Ser). This variant is present in population databases (rs201273972, gnomAD 0.1%). This missense change has been observed in individual(s) with clinical features of isobutyryl-CoA dehydrogenase deficiency (internal data). In at least one individual the data is consistent with being in trans (on the opposite chromosome) from a pathogenic variant. ClinVar contains an entry for this variant (Variation ID: 286498). Invitae Evidence Modeling of protein sequence and biophysical properties (such as structural, functional, and spatial information, amino acid conservation, physicochemical variation, residue mobility, and thermodynamic stability) indicates that this missense variant is not expected to disrupt ACAD8 protein function with a negative predictive value of 80%. For these reasons, this variant has been classified as Pathogenic.

Ambry Genetics
Classification: Uncertain significance for Inborn genetic diseases. Last evaluated: 2025-08-25. Review status: criteria provided, single submitter. Criteria: Ambry Variant Classification Scheme 2023. Collection method: clinical testing. Allele origin: germline.

Baylor Genetics
Classification: Uncertain significance for Deficiency of isobutyryl-CoA dehydrogenase. Last evaluated: 2018-11-19. Review status: criteria provided, single submitter. Criteria: ACMG Guidelines, 2015. Collection method: clinical testing. Allele origin: unknown. Affected: yes.
Comment: This variant was determined to be of uncertain significance according to ACMG Guidelines, 2015 [PMID:25741868].

Eurofins Ntd Llc (ga)
Classification: Uncertain significance. Last evaluated: 2016-03-24. Review status: criteria provided, single submitter. Criteria: EGL Classification Definitions 2015. Collection method: clinical testing. Allele origin: germline. Observed: 1 variant allele, 1 heterozygote.

NM_014384.3(ACAD8):c.466G>T (p.Ala156Ser)

Gene: ACAD8 (acyl-CoA dehydrogenase family member 8; plus strand). Cytogenetic location: 11q25.
Variant type: single nucleotide variant.
Coding change: c.466G>T on transcript NM_014384.3 (MANE Select); coding-DNA position 466, G replaced by T.
Protein change: p.Ala156Ser; replaces alanine 156 with serine.
Molecular consequence: missense variant.
Genome position (GRCh38, 1-based): chr11:134,258,600, G>T. VCF-style: chr11-134258600-G-T. GRCh37 (hg19) VCF-style: chr11-134128494-G-T.
Other names: short protein forms A156S.
Identifiers: ClinVar variation 286498 (VCV000286498.15), dbSNP rs201273972, ClinGen allele CA6372950.